The following is an entry in ClinVar:

ClinVar aggregate classification (germline): Likely pathogenic (1 of 4 stars; one submission).

Conditions:
Usher syndrome type 1B (USH1B). Also called: Usher syndrome type IB. Identifiers: MedGen C1848638, MONDO:0700087.

Submission:

Natera, Inc.
Classification: Likely pathogenic for Usher syndrome type 1B. Last evaluated: 2025-12-01. Review status: criteria provided, single submitter. Criteria: Natera Variant Classification Schema (03/2026). Collection method: clinical testing. Allele origin: germline.
Comment: The c.3952del variant in MYO7A is a frameshift variant predicted to shift the reading frame beginning at codon 1318 and leads to a stop codon 81 codons downstream. This variant is expected to result in nonsense mediated decay, truncation, or a dysfunctional protein product. This variant is rare in the general population with a frequency below the threshold expected for the associated phenotype(s). Given the available evidence, this variant is classified as Likely Pathogenic.

NM_000260.4(MYO7A):c.3952del (p.His1318fs)

Gene: MYO7A (myosin VIIA; plus strand). Cytogenetic location: 11q13.5.
Variant type: Deletion.
Coding change: c.3952del on transcript NM_000260.4 (MANE Select); coding-DNA position 3952, one base deleted (C; older notation c.3952delC).
Protein change: p.His1318fs; shifts the reading frame from histidine 1318.
Molecular consequence: frameshift variant.
Genome position (GRCh38, 1-based): chr11:77,192,078, C deleted; the last of 2 consecutive C bases (chr11:77,192,077-77,192,078); deleting either gives the same sequence. VCF-style (leftmost placement, unchanged base first): chr11-77192076-AC-A. GRCh37 (hg19) VCF-style: chr11-76903121-AC-A.
Other names: c.3952del, p.His1318fs (NM_001127180.2); c.3919del, p.His1307fs (NM_001369365.1); short protein forms H1307fs, H1318fs.
Identifiers: ClinVar variation 4818026 (VCV004818026.1).
Genomic context (GRCh38, chr11:77,192,076, plus strand): 5'-CTCTGTGCCTGCTCCCCTCCCCTCTGTGCCCACAGGTGTCCTCCCTGGGCAGCGGCAGTG[AC>A]CACGTCATGGACGCCATCTCCCAGTGCGAGCAGTACGCCAAGGAGCAGGGCGCCCAGGAG-3'